The following is an entry in ClinVar:

ClinVar aggregate classification (germline): Likely pathogenic (1 of 4 stars; one submission).

Conditions:
RYR1-related disorder. Also called: RYR1-related condition; RYR1-related disorders. Identifiers: MedGen CN239331.

Submission:

Labcorp Genetics (formerly Invitae), Labcorp
Classification: Likely pathogenic for RYR1-related disorder. Last evaluated: 2025-08-18. Review status: criteria provided, single submitter. Criteria: Invitae Variant Classification Sherloc (09022015). Collection method: clinical testing. Allele origin: germline.
Comment: This sequence change replaces glycine, which is neutral and non-polar, with arginine, which is basic and polar, at codon 159 of the RYR1 protein (p.Gly159Arg). This variant is not present in population databases (gnomAD no frequency). This missense change has been observed in individual(s) with autosomal dominant malignant hyperthermia susceptibility (PMID: 30805902). It has also been observed to segregate with disease in related individuals. ClinVar contains an entry for this variant (Variation ID: 478232). Invitae Evidence Modeling of protein sequence and biophysical properties (such as structural, functional, and spatial information, amino acid conservation, physicochemical variation, residue mobility, and thermodynamic stability) indicates that this missense variant is expected to disrupt RYR1 protein function with a positive predictive value of 80%. In summary, the currently available evidence indicates that the variant is pathogenic, but additional data are needed to prove that conclusively. Therefore, this variant has been classified as Likely Pathogenic.

Literature cited by the submitters: PubMed 30805902.

NM_000540.3(RYR1):c.475G>A (p.Gly159Arg)

Gene: RYR1 (ryanodine receptor 1; plus strand). Cytogenetic location: 19q13.2.
Variant type: single nucleotide variant.
Coding change: c.475G>A on transcript NM_000540.3 (MANE Select); coding-DNA position 475, G replaced by A.
Protein change: p.Gly159Arg; replaces glycine 159 with arginine.
Molecular consequence: missense variant.
Genome position (GRCh38, 1-based): chr19:38,444,199, G>A. VCF-style: chr19-38444199-G-A. GRCh37 (hg19) VCF-style: chr19-38934839-G-A.
Other names: c.475G>A, p.Gly159Arg (NM_001042723.2); short protein forms G159R.
Identifiers: ClinVar variation 478232 (VCV000478232.2), dbSNP rs1555763657, ClinGen allele CA405676820.
Genomic context (GRCh38, chr19:38,444,199, plus strand): 5'-CCACCCATAGGAGAGGCTTGCTGGTGGACCATGCACCCAGCCTCCAAGCAGAGGTCTGAA[G>A]GAGAAAAGGTCCGCGTTGGGGATGACATCATCCTTGTCAGTGTCTCCTCCGAGCGCTACC-3'
Protein context (NP_000531.2, residues 149-169): MHPASKQRSE[Gly159Arg]EKVRVGDDII